The following is an entry in ClinVar:

NM_017654.4(SAMD9):c.1326del (p.Phe442fs)

Gene: SAMD9 (sterile alpha motif domain containing 9; minus strand). Cytogenetic location: 7q21.2.
Variant type: Deletion.
Coding change: c.1326del on transcript NM_017654.4 (MANE Select); coding-DNA position 1326, one base deleted (T; older notation c.1326delT).
Protein change: p.Phe442fs; shifts the reading frame from phenylalanine 442.
Molecular consequence: frameshift variant.
Genome position (GRCh38, 1-based): chr7:93,104,772, A deleted on the plus strand (T on the coding strand, the reverse complement: SAMD9 is on the minus strand); the first of 3 consecutive A bases (chr7:93,104,772-93,104,774); deleting any one gives the same sequence. VCF-style (leftmost placement, unchanged base first): chr7-93104771-CA-C. GRCh37 (hg19) VCF-style: chr7-92734084-CA-C.
Other names: c.1326del, p.Phe442fs (NM_001193307.2); short protein forms F442fs.
Identifiers: ClinVar variation 3616234 (VCV003616234.3).

ClinVar aggregate classification (germline): Uncertain significance. Review status: criteria provided, multiple submitters, no conflicts (2 of 4 stars). 2 submissions from 2 submitters: Uncertain significance (2). Last evaluated 2025-11-02.

Conditions:
Normophosphatemic familial tumoral calcinosis. Also called: CALCINOSIS, TUMORAL, WITH NORMOPHOSPHATEMIA. Identifiers: Orphanet 306658, Orphanet 53715, MedGen C1864861, MONDO:0012502, OMIM 610455.

Submissions (2):

Labcorp Genetics (formerly Invitae), Labcorp
Classification: Uncertain significance. Last evaluated: 2025-11-02. Review status: criteria provided, single submitter. Criteria: Invitae Variant Classification Sherloc (09022015). Collection method: clinical testing. Allele origin: germline.
Comment: This sequence change creates a premature translational stop signal (p.Phe442Leufs*19) in the SAMD9 gene. While this is not anticipated to result in nonsense mediated decay, it is expected to disrupt the last 1148 amino acid(s) of the SAMD9 protein. This variant is present in population databases (no rsID available, gnomAD 0.0009%). This premature translational stop signal has been observed in individual(s) with myelodysplastic syndrome (PMID: 34621053). ClinVar contains an entry for this variant (Variation ID: 3616234). Experimental studies and prediction algorithms are not available or were not evaluated, and the functional significance of this variant is currently unknown. In summary, the available evidence is currently insufficient to determine the role of this variant in disease. Therefore, it has been classified as a Variant of Uncertain Significance.

Myriad Genetics, Inc.
Classification: Uncertain significance for Normophosphatemic familial tumoral calcinosis. Last evaluated: 2025-10-01. Review status: criteria provided, single submitter. Criteria: Myriad Autosomal Dominant, Autosomal Recessive and X-Linked Classification Criteria (2023). Collection method: clinical testing. Allele origin: unknown.
Comment: NM_017654.3(SAMD9):c.1326delT(F442Lfs*19) is a frameshift variant classified as a variant of uncertain significance in the context of normophosphatemic familial tumoral calcinosis. F442Lfs*19 has not been observed in cases with relevant disease. Relevant functional assessments of this variant are not available in the literature. F442Lfs*19 has been observed in referenced population frequency databases. In summary, there is insufficient evidence to classify NM_017654.3(SAMD9):c.1326delT(F442Lfs*19) as pathogenic or benign. Please note: this variant was assessed in the context of healthy population screening.

Literature cited by the submitters: PubMed 34621053 (cited by Labcorp Genetics (formerly Invitae), Labcorp).